The following is an entry in ClinVar:

NM_001081.4(CUBN):c.4148A>G (p.Gln1383Arg)

Gene: CUBN (cubilin; minus strand). Cytogenetic location: 10p13.
Variant type: single nucleotide variant.
Coding change: c.4148A>G on transcript NM_001081.4 (MANE Select); coding-DNA position 4148, A replaced by G.
Protein change: p.Gln1383Arg; replaces glutamine 1383 with arginine.
Molecular consequence: missense variant.
Genome position (GRCh38, 1-based): chr10:17,019,853, T>C on the plus strand (A>G on the coding strand, the complement: CUBN is on the minus strand). VCF-style: chr10-17019853-T-C. GRCh37 (hg19) VCF-style: chr10-17061852-T-C.
Other names: short protein forms Q1383R.
Identifiers: ClinVar variation 2640328 (VCV002640328.24), dbSNP rs2491869125, ClinGen allele CA376142195.

ClinVar aggregate classification (germline): Uncertain significance (1 of 4 stars; one submission).

Submission:

CeGaT Center for Human Genetics Tuebingen
Classification: Uncertain significance. Last evaluated: 2022-05-01. Review status: criteria provided, single submitter. Criteria: CeGaT Center For Human Genetics Tuebingen Variant Classification Criteria Version 2. Collection method: clinical testing. Allele origin: germline. Affected: yes. Observed: 1 variant allele.
Comment: CUBN: PM2, BP4